The following is an entry in ClinVar:

NC_000016.9:g.(?_143197)_(150527_?)del

Gene: NPRL3 (NPR3 like, GATOR1 complex subunit; minus strand). Cytogenetic location: 16p13.3.
Variant type: Deletion.
Identifiers: ClinVar variation 2423601 (VCV002423601.4).

ClinVar aggregate classification (germline): Pathogenic (1 of 4 stars; one submission).

Conditions:
Epilepsy, familial focal, with variable foci 3 (FFEVF3). Identifiers: MedGen C4310708, MONDO:0014925, OMIM 617118.

Submission:

Labcorp Genetics (formerly Invitae), Labcorp
Classification: Pathogenic for Epilepsy, familial focal, with variable foci 3. Last evaluated: 2023-07-02. Review status: criteria provided, single submitter. Criteria: Invitae Variant Classification Sherloc (09022015). Collection method: clinical testing. Allele origin: germline.
Comment: For these reasons, this variant has been classified as Pathogenic. This variant disrupts a region of the NPRL3 protein in which other variant(s) (p.Pro327Leu) have been determined to be pathogenic (PMID: 32086284; Invitae). This suggests that this is a clinically significant region of the protein, and that variants that disrupt it are likely to be disease-causing. This variant has not been reported in the literature in individuals affected with NPRL3-related conditions. This variant is a gross deletion of the genomic region encompassing exon(s) 8-10 of the NPRL3 gene. This variant would be expected to be in-frame, preserving the integrity of the reading frame.

Literature cited by the submitters: PubMed 32086284.